The following is an entry in ClinVar:

ClinVar aggregate classification (germline): Uncertain significance (1 of 4 stars; one submission).

Allele frequency attached by ClinVar (database versions not stated): gnomAD exomes below 0.00001.
gnomAD v4.1: 1 of 1,614,164 alleles (0.000062%); highest among the groups gnomAD compares: Non-Finnish European, 0.000085%; no homozygotes.

Submission:

Labcorp Genetics (formerly Invitae), Labcorp
Classification: Uncertain significance. Last evaluated: 2025-09-06. Review status: criteria provided, single submitter. Criteria: Invitae Variant Classification Sherloc (09022015). Collection method: clinical testing. Allele origin: germline.
Comment: This sequence change replaces aspartic acid, which is acidic and polar, with glycine, which is neutral and non-polar, at codon 879 of the REST protein (p.Asp879Gly). This variant is not present in population databases (gnomAD no frequency). This variant has not been reported in the literature in individuals affected with REST-related conditions. ClinVar contains an entry for this variant (Variation ID: 1374437). An algorithm developed to predict the effect of missense changes on protein structure and function (PolyPhen-2) suggests that this variant is likely to be disruptive. In summary, the available evidence is currently insufficient to determine the role of this variant in disease. Therefore, it has been classified as a Variant of Uncertain Significance.

NM_005612.5(REST):c.2636A>G (p.Asp879Gly)

Gene: REST (RE1 silencing transcription factor; plus strand). Cytogenetic location: 4q12.
Variant type: single nucleotide variant.
Coding change: c.2636A>G on transcript NM_005612.5 (MANE Select); coding-DNA position 2636, A replaced by G.
Protein change: p.Asp879Gly; replaces aspartic acid 879 with glycine.
Molecular consequence: missense variant.
Genome position (GRCh38, 1-based): chr4:56,931,494, A>G. VCF-style: chr4-56931494-A-G. GRCh37 (hg19) VCF-style: chr4-57797660-A-G.
Other names: c.2636A>G, p.Asp879Gly (NM_001193508.2, NM_001363453.3); short protein forms D879G.
Identifiers: ClinVar variation 1374437 (VCV001374437.6), dbSNP rs2109578079, ClinGen allele CA357009214.